The following is an entry in ClinVar:

NM_001242896.3(DEPDC5):c.2482C>T (p.Pro828Ser)

Gene: DEPDC5 (DEP domain containing 5, GATOR1 subcomplex subunit; plus strand). Cytogenetic location: 22q12.3.
Variant type: single nucleotide variant.
Coding change: c.2482C>T on transcript NM_001242896.3 (MANE Select); coding-DNA position 2482, C replaced by T.
Protein change: p.Pro828Ser; replaces proline 828 with serine.
Molecular consequence: missense variant. On other transcripts: non-coding transcript variant (5).
Genome position (GRCh38, 1-based): chr22:31,838,812, C>T. VCF-style: chr22-31838812-C-T. GRCh37 (hg19) VCF-style: chr22-32234798-C-T.
Other names: c.2455C>T, p.Pro819Ser (NM_001136029.4, NM_001369903.1, NM_014662.6); c.2248C>T, p.Pro750Ser (NM_001242897.2, NM_001363854.2, NM_001364319.2); c.2482C>T, p.Pro828Ser (NM_001363852.2, NM_001364318.2, NM_001364320.2); c.2398C>T, p.Pro800Ser (NM_001369901.1, NM_001369902.1); short protein forms P750S, P800S, P819S, P828S.
Identifiers: ClinVar variation 1017214 (VCV001017214.9), dbSNP rs200526736, ClinGen allele CA10196724.

ClinVar aggregate classification (germline): Uncertain significance (1 of 4 stars; one submission).

Conditions:
Familial focal epilepsy with variable foci (FPEVF). Identifiers: Orphanet 98820, MedGen C1858477, MONDO:0020310.

Allele frequency attached by ClinVar (database versions not stated): gnomAD 0.00001 and 0.00002; ExAC 0.00002; TOPMed 0.00007; 1000 Genomes Project 0.00020; 1000 Genomes Project 30x 0.00031.
gnomAD v4.1: 17 of 1,614,028 alleles (0.0011%); highest among the groups gnomAD compares: Admixed American, 0.0067%; no homozygotes.

Submission:

Labcorp Genetics (formerly Invitae), Labcorp
Classification: Uncertain significance for Familial focal epilepsy with variable foci. Last evaluated: 2025-07-15. Review status: criteria provided, single submitter. Criteria: Invitae Variant Classification Sherloc (09022015). Collection method: clinical testing. Allele origin: germline.
Comment: This sequence change replaces proline, which is neutral and non-polar, with serine, which is neutral and polar, at codon 828 of the DEPDC5 protein (p.Pro828Ser). This variant is present in population databases (rs200526736, gnomAD 0.007%). This variant has not been reported in the literature in individuals affected with DEPDC5-related conditions. ClinVar contains an entry for this variant (Variation ID: 1017214). Experimental studies and prediction algorithms are not available or were not evaluated, and the functional significance of this variant is currently unknown. In summary, the available evidence is currently insufficient to determine the role of this variant in disease. Therefore, it has been classified as a Variant of Uncertain Significance.